The following is an entry in ClinVar:

NM_153717.3(EVC):c.1086del (p.Glu362fs)

Gene: EVC (EvC ciliary complex subunit 1; plus strand). Cytogenetic location: 4p16.2.
Variant type: Deletion.
Coding change: c.1086del on transcript NM_153717.3 (MANE Select); coding-DNA position 1086, one base deleted (G; older notation c.1086delG).
Protein change: p.Glu362fs; shifts the reading frame from glutamic acid 362.
Molecular consequence: frameshift variant.
Genome position (GRCh38, 1-based): chr4:5,748,294, G deleted. VCF-style (leftmost placement, unchanged base first): chr4-5748293-AG-A. GRCh37 (hg19) VCF-style: chr4-5750020-AG-A.
Other names: c.1086del, p.Glu362fs (NM_001306090.2, NM_001306092.2); short protein forms E362fs.
Identifiers: ClinVar variation 2943546 (VCV002943546.3), dbSNP rs2475165782, ClinGen allele CA2740091174.

ClinVar aggregate classification (germline): Pathogenic (1 of 4 stars; one submission).

Conditions:
Curry-Hall syndrome (WAD). Also called: WEYERS ACRODENTAL DYSOSTOSIS. Identifiers: Orphanet 952, MedGen C0457013, MONDO:0008673, OMIM 193530.
Ellis-van Creveld syndrome (EVC). Also called: EVC-Related Ellis-van Creveld Syndrome; EVC2-Related Ellis-van Creveld Syndrome; MESOECTODERMAL DYSPLASIA; Chondroectodermal dysplasia. Identifiers: Orphanet 289, MedGen C0013903, MONDO:0009162, OMIM 225500.

Submission:

Labcorp Genetics (formerly Invitae), Labcorp
Classification: Pathogenic for Curry-Hall syndrome; Ellis-van Creveld syndrome. Last evaluated: 2023-01-23. Review status: criteria provided, single submitter. Criteria: Invitae Variant Classification Sherloc (09022015). Collection method: clinical testing. Allele origin: germline.
Comment: For these reasons, this variant has been classified as Pathogenic. This variant has not been reported in the literature in individuals affected with EVC-related conditions. This variant is not present in population databases (gnomAD no frequency). This sequence change creates a premature translational stop signal (p.Glu362Aspfs*20) in the EVC gene. It is expected to result in an absent or disrupted protein product. Loss-of-function variants in EVC are known to be pathogenic (PMID: 23220543).

Literature cited by the submitters: PubMed 23220543.